The following is an entry in ClinVar:

NM_000292.3(PHKA2):c.3422T>A (p.Val1141Glu)

Genes: PHKA2 (phosphorylase kinase regulatory subunit alpha 2; minus strand), PHKA2-AS1 (PHKA2 antisense RNA 1; plus strand). Cytogenetic location: Xp22.13.
Variant type: single nucleotide variant.
Coding change: c.3422T>A on transcript NM_000292.3 (MANE Select); coding-DNA position 3422, T replaced by A.
Protein change: p.Val1141Glu; replaces valine 1141 with glutamic acid.
Molecular consequence: missense variant. On other transcripts: non-coding transcript variant (1).
Genome position (GRCh38, 1-based): chrX:18,894,319, A>T on the plus strand (T>A on the coding strand, the complement: PHKA2 is on the minus strand). VCF-style: chrX-18894319-A-T. GRCh37 (hg19) VCF-style: chrX-18912437-A-T.
Other names: short protein forms V1141E.
Identifiers: ClinVar variation 3236437 (VCV003236437.2), dbSNP rs1455846890, ClinGen allele CA412375627.
Genomic context (GRCh38, chrX:18,894,319, plus strand): 5'-ATGCCCCCGATGCTGGTCATCTCCGTGTCCGAGAGCAGCGTCAGCACCATGATGGCTTCC[A>T]CCAGCAGCTGCCGGTACTCGGGCTGCGGCACGCGGTTCAGCACCGATTCGACATGGACAG-3'
Protein context (NP_000283.1, residues 1131-1151): VPQPEYRQLL[Val1141Glu]EAIMVLTLLS

ClinVar aggregate classification (germline): Uncertain significance (1 of 4 stars; one submission).

Conditions:
Glycogen storage disease IXa1. Also called: LIVER GLYCOGENOSIS, X-LINKED, TYPE I; GLYCOGEN STORAGE DISEASE VIII; GSD VIII; Glycogen storage disease 8. Identifiers: Orphanet 264580, MedGen C3694531, MONDO:0010598, OMIM 306000.

Submission:

Neuberg Centre For Genomic Medicine, NCGM
Classification: Uncertain significance for Glycogen storage disease IXa1. Review status: criteria provided, single submitter. Criteria: ACMG Guidelines, 2015. Collection method: clinical testing. Allele origin: germline. Inheritance: X-linked recessive inheritance. Affected: yes.
Comment: The missense variant c.3422T>A p.Val1141Glu in the PHKA2 gene has not been reported previously as a pathogenic variant nor as a benign variant, to our knowledge. This variant is novel not in any individuals in gnomAD Exomes and 1000 Genomes. The amino acid Valine at position 1141 is changed to a Glutamic Acid changing protein sequence and it might alter its composition and physico-chemical properties. The variant is predicted as damaging by SIFT. The amino acid change p.Val1141Glu in PHKA2 is predicted as conserved by GERP++ and PhyloP across 100 vertebrates. For these reasons, this variant has been classified as Uncertain Significance.